The following is an entry in ClinVar:

NM_000188.3(HK1):c.1239C>T (p.Asp413=)

Gene: HK1 (hexokinase 1; plus strand). Cytogenetic location: 10q22.1.
Variant type: single nucleotide variant.
Coding change: c.1239C>T on transcript NM_000188.3 (MANE Select); coding-DNA position 1239, C replaced by T.
Protein change: p.Asp413=; no amino-acid change (aspartic acid 413 retained).
Molecular consequence: synonymous variant.
Genome position (GRCh38, 1-based): chr10:69,380,069, C>T. VCF-style: chr10-69380069-C-T. GRCh37 (hg19) VCF-style: chr10-71139825-C-T.
Other names: c.1143C>T, p.Asp381= (NM_001322367.1); c.1251C>T, p.Asp417= (NM_001358263.1, NM_033497.3, NM_033498.3 and 1 more transcripts); c.1236C>T, p.Asp412= (NM_033496.3); c.1203C>T, p.Asp401= (NM_033500.2); c.1344C>T, p.Asp448= (NM_001322365.2); c.1155C>T, p.Asp385= (NM_001322366.1); c.1239C>T (NM_000188.2).
Identifiers: ClinVar variation 1098091 (VCV001098091.24), dbSNP rs756112973, ClinGen allele CA5532540.

ClinVar aggregate classification (germline): Likely benign. Review status: criteria provided, multiple submitters, no conflicts (2 of 4 stars). 4 submissions from 4 submitters: Likely benign (4). Last evaluated 2026-06-11.

Conditions:
HK1-related disorder. Also called: HK1-related condition; HK1-related disorders.

Allele frequency attached by ClinVar (database versions not stated): ExAC 0.00002; gnomAD exomes 0.00003 and 0.00004; TOPMed 0.00003; gnomAD 0.00004.
gnomAD v4.1: 60 of 1,613,850 alleles (0.0037%); highest among the groups gnomAD compares: African/African-American, 0.0093%; no homozygotes.

Submissions (4):

PreventionGenetics, part of Exact Sciences
Classification: Likely benign for HK1-related condition. Last evaluated: 2026-06-11. Review status: criteria provided, single submitter. Criteria: ACMG Guidelines, 2015. Collection method: clinical testing. Allele origin: germline.
Comment: This variant is classified as likely benign based on ACMG/AMP sequence variant interpretation guidelines (Richards et al. 2015 PMID: 25741868, with internal and published modifications).

Labcorp Genetics (formerly Invitae), Labcorp
Classification: Likely benign. Last evaluated: 2025-10-21. Review status: criteria provided, single submitter. Criteria: Invitae Variant Classification Sherloc (09022015). Collection method: clinical testing. Allele origin: germline.

CeGaT Center for Human Genetics Tuebingen
Classification: Likely benign. Last evaluated: 2025-01-01. Review status: criteria provided, single submitter. Criteria: CeGaT Center For Human Genetics Tuebingen Variant Classification Criteria Version 2. Collection method: clinical testing. Allele origin: germline. Affected: yes. Observed: 1 variant allele.
Comment: HK1: BP4, BP7

Blueprint Genetics
Classification: Likely benign. Last evaluated: 2020-01-31. Review status: criteria provided, single submitter. Criteria: ACMG Guidelines, 2015. Collection method: clinical testing. Allele origin: germline.